The following is an entry in ClinVar:

NM_006662.3(SRCAP):c.5403C>T (p.Ala1801=)

Gene: SRCAP (Snf2 related CREBBP activator protein; plus strand). Cytogenetic location: 16p11.2.
Variant type: single nucleotide variant.
Coding change: c.5403C>T on transcript NM_006662.3 (MANE Select); coding-DNA position 5403, C replaced by T.
Protein change: p.Ala1801=; no amino-acid change (alanine 1801 retained).
Molecular consequence: synonymous variant.
Genome position (GRCh38, 1-based): chr16:30,724,827, C>T. VCF-style: chr16-30724827-C-T. GRCh37 (hg19) VCF-style: chr16-30736148-C-T.
Identifiers: ClinVar variation 318887 (VCV000318887.38), dbSNP rs140196853, ClinGen allele CA8011963.

ClinVar aggregate classification (germline): Benign/Likely benign. Review status: criteria provided, multiple submitters, no conflicts (2 of 4 stars). 5 submissions from 5 submitters: Benign (2); Likely benign (3). Last evaluated 2026-04-21.

Conditions:
Floating-Harbor syndrome (FLHS). Also called: SRCAP-Related Floating-Harbor Syndrome; Short stature with delayed bone age, expressive language delay, a triangular face with a prominent nose and deep-set eyes; Pelletier-Leisti syndrome. Identifiers: Orphanet 2044, MedGen C0729582, MONDO:0007621, OMIM 136140.
Developmental delay, hypotonia, musculoskeletal defects, and behavioral abnormalities. Identifiers: MedGen C5562012, MONDO:0859202, OMIM 619595.

Allele frequency attached by ClinVar (database versions not stated): 1000 Genomes Project 30x 0.00016; 1000 Genomes Project 0.00020; TOPMed 0.00061; ESP Exome Variant Server 0.00085; gnomAD 0.00099 and 0.00105; gnomAD exomes 0.00113 and 0.00143; ExAC 0.00168.
gnomAD v4.1: 1,818 of 1,613,946 alleles (0.11%); highest among the groups gnomAD compares: Non-Finnish European, 0.11%; no homozygotes.

Submissions (5):

Women's Health and Genetics/Laboratory Corporation of America, LabCorp
Classification: Benign. Last evaluated: 2026-04-21. Review status: criteria provided, single submitter. Criteria: LabCorp Variant Classification Summary - May 2015. Collection method: clinical testing. Allele origin: germline.

CeGaT Center for Human Genetics Tuebingen
Classification: Likely benign. Last evaluated: 2026-02-01. Review status: criteria provided, single submitter. Criteria: CeGaT Center For Human Genetics Tuebingen Variant Classification Criteria Version 2. Collection method: clinical testing. Allele origin: germline. Affected: yes. Observed: 4 variant alleles.
Comment: SRCAP: BP4, BP7

Labcorp Genetics (formerly Invitae), Labcorp
Classification: Benign. Last evaluated: 2025-12-09. Review status: criteria provided, single submitter. Criteria: Invitae Variant Classification Sherloc (09022015). Collection method: clinical testing. Allele origin: germline.

Blueprint Genetics
Classification: Likely benign. Last evaluated: 2024-11-19. Review status: criteria provided, single submitter. Criteria: ACMG Guidelines, 2015. Collection method: clinical testing. Allele origin: germline.

Fulgent Genetics
Classification: Likely benign for Floating-Harbor syndrome; Developmental delay, hypotonia, musculoskeletal defects, and behavioral abnormalities. Last evaluated: 2021-10-07. Review status: criteria provided, single submitter. Criteria: ACMG Guidelines, 2015. Collection method: clinical testing. Allele origin: unknown.